The following is an entry in ClinVar:

NM_001379286.1(ZNF423):c.2328C>T (p.His776=)

Gene: ZNF423 (zinc finger protein 423; minus strand). Cytogenetic location: 16q12.1.
Variant type: single nucleotide variant.
Coding change: c.2328C>T on transcript NM_001379286.1 (MANE Select); coding-DNA position 2328, C replaced by T.
Protein change: p.His776=; no amino-acid change (histidine 776 retained).
Molecular consequence: synonymous variant.
Genome position (GRCh38, 1-based): chr16:49,636,848, G>A on the plus strand (C>T on the coding strand, the complement: ZNF423 is on the minus strand). VCF-style: chr16-49636848-G-A. GRCh37 (hg19) VCF-style: chr16-49670759-G-A.
Other names: c.2124C>T, p.His708= (NM_001271620.2); c.1953C>T, p.His651= (NM_001330533.2); c.2304C>T, p.His768= (NM_015069.5).
Identifiers: ClinVar variation 260526 (VCV000260526.39), dbSNP rs73565356, ClinGen allele CA8046530.

ClinVar aggregate classification (germline): Benign/Likely benign. Review status: criteria provided, multiple submitters, no conflicts (2 of 4 stars). 6 submissions from 6 submitters: Benign (5); Likely benign (1). Last evaluated 2026-01-21.

Conditions:
Nephronophthisis 14 (NPHP14). Identifiers: Orphanet 2318, MedGen C3539071, MONDO:0013916, OMIM 614844.

Allele frequency attached by ClinVar (database versions not stated): ExAC 0.00134; gnomAD 0.00380 and 0.00402; TOPMed 0.00399; ESP Exome Variant Server 0.00516; 1000 Genomes Project 30x 0.00578; 1000 Genomes Project 0.00579.
gnomAD v4.1: 1,124 of 1,614,012 alleles (0.07%); highest among the groups gnomAD compares: African/African-American, 1.3%; 12 homozygotes.

Submissions (6):

Labcorp Genetics (formerly Invitae), Labcorp
Classification: Benign for Nephronophthisis 14. Last evaluated: 2026-01-21. Review status: criteria provided, single submitter. Criteria: Invitae Variant Classification Sherloc (09022015). Collection method: clinical testing. Allele origin: germline.

Blueprint Genetics
Classification: Likely benign. Last evaluated: 2024-07-30. Review status: criteria provided, single submitter. Criteria: ACMG Guidelines, 2015. Collection method: clinical testing. Allele origin: germline.

CeGaT Center for Human Genetics Tuebingen
Classification: Benign. Last evaluated: 2023-10-01. Review status: criteria provided, single submitter. Criteria: CeGaT Center For Human Genetics Tuebingen Variant Classification Criteria Version 2. Collection method: clinical testing. Allele origin: germline. Affected: yes. Observed: 1 variant allele.
Comment: ZNF423: BP4, BP7, BS1, BS2

Genome-Nilou Lab
Classification: Benign for Nephronophthisis 14. Last evaluated: 2021-12-05. Review status: criteria provided, single submitter. Criteria: ACMG Guidelines, 2015. Collection method: clinical testing. Allele origin: germline. Affected: no.

Breakthrough Genomics
Classification: Benign. Review status: criteria provided, single submitter. Criteria: ACMG Guidelines, 2015. Collection method: not provided. Allele origin: germline. Inheritance: Autosomal dominant inheritance. Affected: yes.

PreventionGenetics, part of Exact Sciences
Classification: Benign. Review status: criteria provided, single submitter. Criteria: ACMG Guidelines, 2015. Collection method: clinical testing. Allele origin: germline.